The following is an entry in ClinVar:

ClinVar aggregate classification (germline): Likely benign (1 of 4 stars; one submission).

gnomAD v4.1: 43 of 1,613,942 alleles (0.0027%); highest among the groups gnomAD compares: South Asian, 0.04%; no homozygotes.

Submission:

Mayo Clinic Laboratories, Mayo Clinic
Classification: Likely benign. Last evaluated: 2025-01-31. Review status: criteria provided, single submitter. Criteria: ACMG Guidelines, 2015. Collection method: clinical testing. Allele origin: germline. Observed: 1 variant allele.
Comment: BS2, BP5, PP3

Literature cited by the submitters: PubMed 34193129.

NM_001349253.2(SCN11A):c.1732T>A (p.Phe578Ile)

Gene: SCN11A (sodium voltage-gated channel alpha subunit 11; minus strand). Cytogenetic location: 3p22.2.
Variant type: single nucleotide variant.
Coding change: c.1732T>A on transcript NM_001349253.2 (MANE Select); coding-DNA position 1732, T replaced by A.
Protein change: p.Phe578Ile; replaces phenylalanine 578 with isoleucine.
Molecular consequence: missense variant.
Genome position (GRCh38, 1-based): chr3:38,903,975, A>T on the plus strand (T>A on the coding strand, the complement: SCN11A is on the minus strand). VCF-style: chr3-38903975-A-T. GRCh37 (hg19) VCF-style: chr3-38945466-A-T.
Other names: p.Phe578Ile; c.1732T>A, p.Phe578Ile (NM_014139.3); short protein forms F578I.
Identifiers: ClinVar variation 4684687 (VCV004684687.1).